The following is an entry in ClinVar:

ClinVar aggregate classification (germline): Uncertain significance. Review status: criteria provided, multiple submitters, no conflicts (2 of 4 stars). 4 submissions from 4 submitters: Uncertain significance (4). Last evaluated 2025-02-01.

Conditions:
Inborn genetic diseases. Identifiers: MedGen C0950123, MeSH D030342.
Cockayne syndrome type 2 (CSB). Also called: Cockayne Syndrome, Type II; COCKAYNE SYNDROME B. Identifiers: Orphanet 191, Orphanet 90322, MedGen C0751038, MONDO:0019570, OMIM 133540.

Allele frequency attached by ClinVar (database versions not stated): TOPMed 0.00002; gnomAD 0.00005 and 0.00006; gnomAD exomes 0.00006 and 0.00007; ExAC 0.00012.
gnomAD v4.1: 93 of 1,613,588 alleles (0.0058%); highest among the groups gnomAD compares: Non-Finnish European, 0.0075%; no homozygotes.

Submissions (4):

CeGaT Center for Human Genetics Tuebingen
Classification: Uncertain significance. Last evaluated: 2025-02-01. Review status: criteria provided, single submitter. Criteria: CeGaT Center For Human Genetics Tuebingen Variant Classification Criteria Version 2. Collection method: clinical testing. Allele origin: germline. Affected: yes. Observed: 1 variant allele.
Comment: ERCC6: PM2, PP3

Institute of Human Genetics, University of Leipzig Medical Center
Classification: Uncertain significance for Cockayne syndrome type 2. Last evaluated: 2024-07-23. Review status: criteria provided, single submitter. Criteria: ACMG Guidelines, 2015. Collection method: clinical testing. Allele origin: unknown. Inheritance: Autosomal recessive inheritance. Affected: yes.
Comment: Criteria applied: PM2_SUP,PP3

Labcorp Genetics (formerly Invitae), Labcorp
Classification: Uncertain significance. Last evaluated: 2022-09-23. Review status: criteria provided, single submitter. Criteria: Invitae Variant Classification Sherloc (09022015). Collection method: clinical testing. Allele origin: germline.
Comment: This sequence change replaces phenylalanine, which is neutral and non-polar, with isoleucine, which is neutral and non-polar, at codon 693 of the ERCC6 protein (p.Phe693Ile). This variant is present in population databases (rs199921831, gnomAD 0.02%). This variant has not been reported in the literature in individuals affected with ERCC6-related conditions. ClinVar contains an entry for this variant (Variation ID: 1392680). Advanced modeling of protein sequence and biophysical properties (such as structural, functional, and spatial information, amino acid conservation, physicochemical variation, residue mobility, and thermodynamic stability) performed at Invitae indicates that this missense variant is not expected to disrupt ERCC6 protein function. In summary, the available evidence is currently insufficient to determine the role of this variant in disease. Therefore, it has been classified as a Variant of Uncertain Significance.

Ambry Genetics
Classification: Uncertain significance for Inborn genetic diseases. Last evaluated: 2022-05-27. Review status: criteria provided, single submitter. Criteria: Ambry Variant Classification Scheme 2023. Collection method: clinical testing. Allele origin: germline.

NM_000124.4(ERCC6):c.2077T>A (p.Phe693Ile)

Gene: ERCC6 (ERCC excision repair 6, chromatin remodeling factor; minus strand). Cytogenetic location: 10q11.23.
Variant type: single nucleotide variant.
Coding change: c.2077T>A on transcript NM_000124.4 (MANE Select); coding-DNA position 2077, T replaced by A.
Protein change: p.Phe693Ile; replaces phenylalanine 693 with isoleucine.
Molecular consequence: missense variant.
Genome position (GRCh38, 1-based): chr10:49,482,779, A>T on the plus strand (T>A on the coding strand, the complement: ERCC6 is on the minus strand). VCF-style: chr10-49482779-A-T. GRCh37 (hg19) VCF-style: chr10-50690825-A-T.
Other names: c.2077T>A, p.Phe693Ile (NM_001346440.2); c.2077T>A (NM_000124.2); short protein forms F693I.
Identifiers: ClinVar variation 1392680 (VCV001392680.19), dbSNP rs199921831, ClinGen allele CA5495774.